The following is an entry in ClinVar:

NM_000587.4(C7):c.581A>G (p.Asn194Ser)

Gene: C7 (complement C7; plus strand). Cytogenetic location: 5p13.1.
Variant type: single nucleotide variant.
Coding change: c.581A>G on transcript NM_000587.4 (MANE Select); coding-DNA position 581, A replaced by G.
Protein change: p.Asn194Ser; replaces asparagine 194 with serine.
Molecular consequence: missense variant.
Genome position (GRCh38, 1-based): chr5:40,945,211, A>G. VCF-style: chr5-40945211-A-G. GRCh37 (hg19) VCF-style: chr5-40945313-A-G.
Other names: short protein forms N194S.
Identifiers: ClinVar variation 1926122 (VCV001926122.3), dbSNP rs1426790359, ClinGen allele CA359581584.

ClinVar aggregate classification (germline): Uncertain significance (1 of 4 stars; one submission).

Allele frequency attached by ClinVar (database versions not stated): gnomAD exomes below 0.00001; TOPMed 0.00001.
gnomAD v4.1: 3 of 1,485,382 alleles (0.0002%); highest among the groups gnomAD compares: Admixed American, 0.0047%; no homozygotes.

Submission:

Labcorp Genetics (formerly Invitae), Labcorp
Classification: Uncertain significance. Last evaluated: 2024-10-16. Review status: criteria provided, single submitter. Criteria: Invitae Variant Classification Sherloc (09022015). Collection method: clinical testing. Allele origin: germline.
Comment: This sequence change replaces asparagine, which is neutral and polar, with serine, which is neutral and polar, at codon 194 of the C7 protein (p.Asn194Ser). The frequency data for this variant in the population databases is considered unreliable, as metrics indicate poor data quality at this position in the gnomAD database. This variant has not been reported in the literature in individuals affected with C7-related conditions. ClinVar contains an entry for this variant (Variation ID: 1926122). Invitae Evidence Modeling of protein sequence and biophysical properties (such as structural, functional, and spatial information, amino acid conservation, physicochemical variation, residue mobility, and thermodynamic stability) indicates that this missense variant is not expected to disrupt C7 protein function with a negative predictive value of 80%. In summary, the available evidence is currently insufficient to determine the role of this variant in disease. Therefore, it has been classified as a Variant of Uncertain Significance.